The following is an entry in ClinVar:

NM_017763.6(RNF43):c.912T>G (p.His304Gln)

Gene: RNF43 (ring finger protein 43; minus strand). Cytogenetic location: 17q22.
Variant type: single nucleotide variant.
Coding change: c.912T>G on transcript NM_017763.6 (MANE Select); coding-DNA position 912, T replaced by G.
Protein change: p.His304Gln; replaces histidine 304 with glutamine.
Molecular consequence: missense variant.
Genome position (GRCh38, 1-based): chr17:58,360,189, A>C on the plus strand (T>G on the coding strand, the complement: RNF43 is on the minus strand). VCF-style: chr17-58360189-A-C. GRCh37 (hg19) VCF-style: chr17-56437550-A-C.
Other names: c.912T>G, p.His304Gln (NM_001305544.3, NM_001438820.1, NM_001438821.1 and 1 more transcripts); c.531T>G, p.His177Gln (NM_001305545.2, NM_001437987.1); short protein forms H304Q, H177Q.
Identifiers: ClinVar variation 4155795 (VCV004155795.1).

ClinVar aggregate classification (germline): Uncertain significance (1 of 4 stars; one submission).

Submission:

Ambry Genetics
Classification: Uncertain significance. Last evaluated: 2025-08-25. Review status: criteria provided, single submitter. Criteria: Ambry Variant Classification Scheme 2023. Collection method: clinical testing. Allele origin: germline.
Comment: The p.H304Q variant (also known as c.912T>G), located in coding exon 7 of the RNF43 gene, results from a T to G substitution at nucleotide position 912. The histidine at codon 304 is replaced by glutamine, an amino acid with highly similar properties. This amino acid position is conserved. In addition, this alteration is predicted to be tolerated by in silico analysis. Based on the available evidence, the clinical significance of this variant remains unclear.